The following is an entry in ClinVar:

ClinVar aggregate classification (germline): Conflicting classifications of pathogenicity. Review status: criteria provided, conflicting classifications (1 of 4 stars). 11 submissions from 11 submitters: Uncertain significance (8); Likely benign (2). 1 of the submissions does not count toward it. Last evaluated 2026-06-16.

Conditions:
BRCA2-related disorder. Also called: BRCA2-related condition; BRCA2-related disorders. Identifiers: MedGen CN239275.
Breast and/or ovarian cancer. Identifiers: MedGen CN221562.
Hereditary cancer-predisposing syndrome. Also called: Tumor predisposition; Neoplastic Syndromes, Hereditary; Hereditary neoplastic syndrome; Hereditary Cancer Syndrome. Identifiers: Orphanet 140162, MedGen C0027672, MeSH D009386, MONDO:0015356.
Hereditary breast ovarian cancer syndrome. Also called: Hereditary breast and ovarian cancer syndrome; Hereditary breast and ovarian cancer; Hereditary breast and ovarian cancer syndrome (HBOC); Hereditary breast and/or ovarian cancer syndrome; BRCA1- and BRCA2-Associated Hereditary Breast and Ovarian Cancer; Breast and ovarian cancer. Identifiers: Orphanet 145, MedGen C0677776, MeSH D061325, MONDO:0003582. Disease mechanism: loss of function.
Breast-ovarian cancer, familial, susceptibility to, 2 (BROVCA2). Also called: BRCA2 Hereditary Breast and Ovarian Cancer. Identifiers: Orphanet 145, MedGen C2675520, MONDO:0012933, OMIM 612555. Disease mechanism: loss of function.

gnomAD v4.1: 27 of 1,611,822 alleles (0.0017%); highest among the groups gnomAD compares: African/African-American, 0.0027%; no homozygotes.

Submissions (11):

PreventionGenetics, part of Exact Sciences
Classification: Uncertain significance for BRCA2-related condition. Last evaluated: 2026-06-16. Review status: criteria provided, single submitter. Criteria: ACMG Guidelines, 2015. Collection method: clinical testing. Allele origin: germline.
Comment: The BRCA2 c.4090A>G variant is predicted to result in the amino acid substitution p.Ile1364Val. This variant was reported in individuals with breast and/or ovarian cancer (Bakkach et al. 2020. PubMed ID: 32894085; Cherbal et al. 2012. PubMed ID: 23697973); however, the patient reported in Bakkach et al. also had a likely pathogenic variant in BRCA1. This variant is reported in 0.0040% of alleles in individuals of African descent in gnomAD and has conflicting interpretations in ClinVar ranging from likely benign to uncertain (Variation ID: 141629). This variant is predicted to introduce a cryptic splice site in exon 11 based on splicing prediction programs (Alamut Visual v.2.11.0), but the functional impact of this prediction has not been determined experimentally. At this time, the clinical significance of this variant is uncertain due to the absence of conclusive functional and genetic evidence.

Women's Health and Genetics/Laboratory Corporation of America, LabCorp
Classification: Uncertain significance. Last evaluated: 2025-10-17. Review status: criteria provided, single submitter. Criteria: LabCorp Variant Classification Summary - May 2015. Collection method: clinical testing. Allele origin: germline.
Comment: Variant summary: BRCA2 c.4090A>G (p.Ile1364Val) results in a conservative amino acid change in the encoded protein sequence. Algorithms developed to predict the effect of missense changes on protein structure and function all suggest that this variant is likely to be tolerated. The variant allele was found at a frequency of 1.2e-05 in 249354 control chromosomes. The available data on variant occurrences in the general population are insufficient to allow any conclusion about variant significance. c.4090A>G has been observed in individual(s) affected with Hereditary Breast And Ovarian Cancer Syndrome, without strong evidence for causality (Bakkach_2020, Khandakji_2023, Rawashdeh_2024). These report(s) do not provide unequivocal conclusions about association of the variant with Hereditary Breast And Ovarian Cancer Syndrome. Co-occurrences with other pathogenic variant(s) have been reported (BRCA1 c.116G>A, p.Cys39Tyr), providing supporting evidence for a benign role. To our knowledge, no experimental evidence demonstrating an impact on protein function has been reported. The following publications have been ascertained in the context of this evaluation (PMID: 32894085, 37335020, 39541563). ClinVar contains an entry for this variant (Variation ID: 141629). Based on the evidence outlined above, the variant was classified as uncertain significance.

Labcorp Genetics (formerly Invitae), Labcorp
Classification: Uncertain significance for Hereditary breast ovarian cancer syndrome. Last evaluated: 2025-10-14. Review status: criteria provided, single submitter. Criteria: Invitae Variant Classification Sherloc (09022015). Collection method: clinical testing. Allele origin: germline.
Comment: This sequence change replaces isoleucine, which is neutral and non-polar, with valine, which is neutral and non-polar, at codon 1364 of the BRCA2 protein (p.Ile1364Val). This variant is present in population databases (rs56248502, gnomAD 0.004%). This missense change has been observed in individual(s) with breast cancer (PMID: 32894085). ClinVar contains an entry for this variant (Variation ID: 141629). Invitae Evidence Modeling of protein sequence and biophysical properties (such as structural, functional, and spatial information, amino acid conservation, physicochemical variation, residue mobility, and thermodynamic stability) indicates that this missense variant is not expected to disrupt BRCA2 protein function with a negative predictive value of 95%. In summary, the available evidence is currently insufficient to determine the role of this variant in disease. Therefore, it has been classified as a Variant of Uncertain Significance.

Molecular Pathology, Peter Maccallum Cancer Centre
Classification: Likely benign for Breast-ovarian cancer, familial, susceptibility to, 2. Last evaluated: 2025-01-29. Review status: criteria provided, single submitter. Criteria: ACMG Guidelines, 2015. Collection method: clinical testing. Allele origin: germline. Inheritance: Autosomal dominant inheritance.

Ambry Genetics
Classification: Uncertain significance for Hereditary cancer-predisposing syndrome. Last evaluated: 2024-08-11. Review status: criteria provided, single submitter. Criteria: Ambry Variant Classification Scheme 2023. Collection method: clinical testing. Allele origin: germline.
Comment: The p.I1364V variant (also known as c.4090A>G), located in coding exon 10 of the BRCA2 gene, results from an A to G substitution at nucleotide position 4090. The isoleucine at codon 1364 is replaced by valine, an amino acid with highly similar properties. This alteration has been identified in an individual diagnosed with breast cancer (Bakkach J et al. BMC Cancer, 2020 Sep;20:859). This amino acid position is not well conserved in available vertebrate species. In addition, this alteration is predicted to be tolerated by in silico analysis. Since supporting evidence is limited at this time, the clinical significance of this alteration remains unclear.

All of Us Research Program, National Institutes of Health
Classification: Uncertain significance for Breast-ovarian cancer, familial, susceptibility to, 2. Last evaluated: 2023-11-30. Review status: criteria provided, single submitter. Criteria: ACMG Guidelines, 2015. Collection method: clinical testing. Allele origin: germline. Inheritance: Autosomal dominant inheritance. Observed: 2 variant alleles, 2 heterozygotes.
Comment: This missense variant replaces isoleucine with valine at codon 1364 of the BRCA2 protein. Computational prediction suggests that this variant may not impact protein structure and function (internally defined REVEL score threshold <= 0.5, PMID: 27666373). To our knowledge, functional studies have not been reported for this variant. This variant has been reported in an individual with early-onset breast cancer, who also carried a pathogenic variant in BRCA1 that could explain the observed phenotype (PMID:32894085). This variant has been identified in 4/280752 chromosomes in the general population by the Genome Aggregation Database (gnomAD). The available evidence is insufficient to determine the role of this variant in disease conclusively. Therefore, this variant is classified as a Variant of Uncertain Significance.

This study involves interpretation of variants in research participants for the purpose of population health screening. Participant phenotype was not available at the time of variant classification. Additional details can be found in publication PMID: 35346344, PMCID: PMC8962531

University of Washington Department of Laboratory Medicine, University of Washington
Classification: Likely benign for Hereditary cancer-predisposing syndrome. Last evaluated: 2023-03-23. Review status: criteria provided, single submitter. Criteria: Dines et al. (Genet Med. 2020). Collection method: curation. Allele origin: germline.
Comment: Missense variant in a coldspot region where missense variants are very unlikely to be pathogenic (PMID:31911673).

BRCA2 exon 11 coldspot. Reclassification based on statistical prior probability.

GeneDx
Classification: Uncertain significance. Last evaluated: 2020-11-09. Review status: criteria provided, single submitter. Criteria: GeneDx Variant Classification Process June 2021. Collection method: clinical testing. Allele origin: germline. Affected: yes.
Comment: Not observed at a significant frequency in large population cohorts (Lek et al., 2016); In silico analysis supports that this missense variant does not alter protein structure/function; Observed in an individual with breast cancer who also harbors a pathogenic BRCA1 variant (Bakkach 2020); Also known as 4318A>G; This variant is associated with the following publications: (PMID: 32894085, 23697973)

CHEO Genetics Diagnostic Laboratory, Children's Hospital of Eastern Ontario
Classification: Uncertain significance for Breast and/or ovarian cancer. Last evaluated: 2018-06-14. Review status: criteria provided, single submitter. Criteria: ACMG Guidelines, 2015. Collection method: clinical testing. Allele origin: germline.

Quest Diagnostics Nichols Institute San Juan Capistrano
Classification: Uncertain significance. Last evaluated: 2017-09-08. Review status: criteria provided, single submitter. Criteria: Quest Diagnostics criteria. Collection method: clinical testing. Allele origin: germline.

Counsyl
Classification: Uncertain significance for Breast-ovarian cancer, familial, susceptibility to, 2. Last evaluated: 2016-10-03. Review status: no assertion criteria provided. Collection method: clinical testing. Allele origin: unknown. Not counted in ClinVar's aggregate classification.

Literature cited by the submitters: PubMed 37335020 (cited by Women's Health and Genetics/Laboratory Corporation of America, LabCorp); PubMed 39541563 (cited by Women's Health and Genetics/Laboratory Corporation of America, LabCorp); PubMed 32894085 (cited by 4 submitters); PubMed 23697973 (cited by Ambry Genetics).

NM_000059.4(BRCA2):c.4090A>G (p.Ile1364Val)

Gene: BRCA2 (BRCA2 DNA repair associated; plus strand). Cytogenetic location: 13q13.1.
Variant type: single nucleotide variant.
Coding change: c.4090A>G on transcript NM_000059.4 (MANE Select); coding-DNA position 4090, A replaced by G.
Protein change: p.Ile1364Val; replaces isoleucine 1364 with valine.
Molecular consequence: missense variant.
Genome position (GRCh38, 1-based): chr13:32,338,445, A>G. VCF-style: chr13-32338445-A-G. GRCh37 (hg19) VCF-style: chr13-32912582-A-G.
Other names: short protein forms I1364V.
Identifiers: ClinVar variation 141629 (VCV000141629.27), dbSNP rs56248502, ClinGen allele CA019501.
Genomic context (GRCh38, chr13:32,338,445, plus strand): 5'-AATGATACTGTTTGTATTCATAAAGATGAAACGGACTTGCTATTTACTGATCAGCACAAC[A>G]TATGTCTTAAATTATCTGGCCAGTTTATGAAGGAGGGAAACACTCAGATTAAAGAAGATT-3'
Protein context (NP_000050.3, residues 1354-1374): TDLLFTDQHN[Ile1364Val]CLKLSGQFMK